The following is an entry in ClinVar:

NM_016219.5(MAN1B1):c.172G>T (p.Glu58Ter)

Genes: MAN1B1 (mannosidase alpha class 1B member 1; plus strand), LOC130003079 (ATAC-STARR-seq lymphoblastoid silent region 20579; plus strand). Cytogenetic location: 9q34.3.
Variant type: single nucleotide variant.
Coding change: c.172G>T on transcript NM_016219.5 (MANE Select); coding-DNA position 172, G replaced by T.
Protein change: p.Glu58Ter; replaces glutamic acid 58 with a stop codon.
Molecular consequence: nonsense. On other transcripts: non-coding transcript variant (2).
Genome position (GRCh38, 1-based): chr9:137,087,171, G>T. VCF-style: chr9-137087171-G-T. GRCh37 (hg19) VCF-style: chr9-139981623-G-T.
Other names: short protein forms E58*.
Identifiers: ClinVar variation 816942 (VCV000816942.9), dbSNP rs753503405, ClinGen allele CA5358475.

ClinVar aggregate classification (germline): Pathogenic. Review status: criteria provided, multiple submitters, no conflicts (2 of 4 stars). 5 submissions from 5 submitters: Pathogenic (3). 2 of the submissions do not count toward it. Last evaluated 2026-01-31.

Conditions:
MAN1B1-related disorder. Also called: MAN1B1-related disorders; MAN1B1-related condition.
Rafiq syndrome (RAFQS). Identifiers: Orphanet 88616, MedGen C3280127, MONDO:0013624, OMIM 614202.

Allele frequency attached by ClinVar (database versions not stated): TOPMed below 0.00001; gnomAD 0.00001; ExAC 0.00002; gnomAD exomes 0.00003.
gnomAD v4.1: 17 of 1,594,166 alleles (0.0011%); highest among the groups gnomAD compares: Admixed American, 0.012%; no homozygotes.

Submissions (5):

Labcorp Genetics (formerly Invitae), Labcorp
Classification: Pathogenic for Rafiq syndrome. Last evaluated: 2026-01-31. Review status: criteria provided, single submitter. Criteria: Invitae Variant Classification Sherloc (09022015). Collection method: clinical testing. Allele origin: germline.
Comment: This sequence change creates a premature translational stop signal (p.Glu58*) in the MAN1B1 gene. It is expected to result in an absent or disrupted protein product. Loss-of-function variants in MAN1B1 are known to be pathogenic (PMID: 24566669). The frequency data for this variant in the population databases is considered unreliable, as metrics indicate poor data quality at this position in the gnomAD database. This premature translational stop signal has been observed in individual(s) with MAN1B1-CDG (PMID: 24348268). ClinVar contains an entry for this variant (Variation ID: 816942). For these reasons, this variant has been classified as Pathogenic.

Dasa
Classification: Pathogenic. Last evaluated: 2025-11-15. Review status: criteria provided, single submitter. Criteria: DASA Assertion Criteria. Collection method: clinical testing. Allele origin: germline.
Comment: NM_016219.5(MAN1B1):c.172G>T (p.Glu58*) introduces a premature termination codon predicted to result in loss of normal protein function. Loss-of-function is an established mechanism of disease for this gene. This variant has been reported in individuals with related phenotype (PMID: 24348268). The variant is present at low frequency in population datasets. Based on the available data, this variant is classified as pathogenic.

GeneDx
Classification: Pathogenic. Last evaluated: 2024-05-20. Review status: criteria provided, single submitter. Criteria: GeneDx Variant Classification Process June 2021. Collection method: clinical testing. Allele origin: germline. Affected: yes.
Comment: Reported in the heterozygous state with a second MAN1B1 variant in a patient with a developmental delay, facial dsymorphism, intellectual disability, and obesity (PMID: 24348268); Nonsense variant predicted to result in protein truncation or nonsense mediated decay in a gene for which loss of function is a known mechanism of disease; This variant is associated with the following publications: (PMID: 24348268)

PreventionGenetics, part of Exact Sciences
Classification: Likely pathogenic for MAN1B1-related condition. Last evaluated: 2024-03-30. Review status: no assertion criteria provided. Collection method: clinical testing. Allele origin: germline. Not counted in ClinVar's aggregate classification.
Comment: The MAN1B1 c.172G>T variant is predicted to result in premature protein termination (p.Glu58*). This variant has previously been reported in the compound heterozygous state in an individual presenting with congenital disorders of glycosylation-type II, and various dysmorphic and neurological features (Case 2, Rymen et al. 2013. PubMed ID: 24348268). This variant is reported in 0.016% of alleles in individuals of Latino descent in gnomAD. Nonsense variants in MAN1B1 are expected to be pathogenic. This variant is interpreted as likely pathogenic.

OMIM
Classification: Pathogenic for RAFIQ SYNDROME. Last evaluated: 2020-10-29. Review status: no assertion criteria provided. Collection method: literature only. Allele origin: germline. Not counted in ClinVar's aggregate classification.

Literature cited by the submitters: PubMed 24566669 (cited by Labcorp Genetics (formerly Invitae), Labcorp); PubMed 24348268 (cited by 3 submitters).